The following is an entry in ClinVar:

NM_177438.3(DICER1):c.3497T>C (p.Val1166Ala)

Gene: DICER1 (dicer 1, ribonuclease III; minus strand). Cytogenetic location: 14q32.13.
Variant type: single nucleotide variant.
Coding change: c.3497T>C on transcript NM_177438.3 (MANE Select); coding-DNA position 3497, T replaced by C.
Protein change: p.Val1166Ala; replaces valine 1166 with alanine.
Molecular consequence: missense variant. On other transcripts: non-coding transcript variant (6).
Genome position (GRCh38, 1-based): chr14:95,103,899, A>G on the plus strand (T>C on the coding strand, the complement: DICER1 is on the minus strand). VCF-style: chr14-95103899-A-G. GRCh37 (hg19) VCF-style: chr14-95570236-A-G.
Other names: c.3497T>C, p.Val1166Ala (NM_001195573.1, NM_001271282.3, NM_001291628.2 and 12 more transcripts); c.3215T>C, p.Val1072Ala (NM_001395686.1); c.3092T>C, p.Val1031Ala (NM_001395687.1, NM_001395688.1, NM_001395689.1 and 2 more transcripts); c.2930T>C, p.Val977Ala (NM_001395691.1); c.1814T>C, p.Val605Ala (NM_001395697.1); short protein forms V605A, V1031A, V1072A, V977A, V1166A.
Identifiers: ClinVar variation 4774603 (VCV004774603.1).

ClinVar aggregate classification (germline): Uncertain significance (1 of 4 stars; one submission).

Conditions:
DICER1-related tumor predisposition. Also called: DICER1-related pleuropulmonary blastoma cancer predisposition syndrome; DICER1 syndrome. Identifiers: Orphanet 284343, MedGen C3839822, MONDO:0100216.

Submission:

Labcorp Genetics (formerly Invitae), Labcorp
Classification: Uncertain significance for DICER1-related tumor predisposition. Last evaluated: 2026-01-26. Review status: criteria provided, single submitter. Criteria: Invitae Variant Classification Sherloc (09022015). Collection method: clinical testing. Allele origin: germline.
Comment: This sequence change replaces valine, which is neutral and non-polar, with alanine, which is neutral and non-polar, at codon 1166 of the DICER1 protein (p.Val1166Ala). This variant is not present in population databases (gnomAD no frequency). This variant has not been reported in the literature in individuals affected with DICER1-related conditions. Invitae Evidence Modeling of protein sequence and biophysical properties (such as structural, functional, and spatial information, amino acid conservation, physicochemical variation, residue mobility, and thermodynamic stability) indicates that this missense variant is not expected to disrupt DICER1 protein function with a negative predictive value of 95%. In summary, the available evidence is currently insufficient to determine the role of this variant in disease. Therefore, it has been classified as a Variant of Uncertain Significance.